The following is an entry in ClinVar:

NM_012337.3(CFAP45):c.680G>A (p.Arg227Gln)

Gene: CFAP45 (cilia and flagella associated protein 45; minus strand). Cytogenetic location: 1q23.2.
Variant type: single nucleotide variant.
Coding change: c.680G>A on transcript NM_012337.3 (MANE Select); coding-DNA position 680, G replaced by A.
Protein change: p.Arg227Gln; replaces arginine 227 with glutamine.
Molecular consequence: missense variant.
Genome position (GRCh38, 1-based): chr1:159,886,598, C>T on the plus strand (G>A on the coding strand, the complement: CFAP45 is on the minus strand). VCF-style: chr1-159886598-C-T. GRCh37 (hg19) VCF-style: chr1-159856388-C-T.
Other names: short protein forms R227Q.
Identifiers: ClinVar variation 2639488 (VCV002639488.24), dbSNP rs112274025, ClinGen allele CA1191071.

ClinVar aggregate classification (germline): Likely benign (1 of 4 stars; one submission).

Allele frequency attached by ClinVar (database versions not stated): 1000 Genomes Project 30x 0.00062; 1000 Genomes Project 0.00080; TOPMed 0.00219; ESP Exome Variant Server 0.00238; gnomAD 0.00350; gnomAD exomes 0.00390; ExAC 0.00409.
gnomAD v4.1: 6,194 of 1,614,084 alleles (0.38%); highest among the groups gnomAD compares: Non-Finnish European, 0.39%; 24 homozygotes.

Submission:

CeGaT Center for Human Genetics Tuebingen
Classification: Likely benign. Last evaluated: 2023-08-01. Review status: criteria provided, single submitter. Criteria: CeGaT Center For Human Genetics Tuebingen Variant Classification Criteria Version 2. Collection method: clinical testing. Allele origin: germline. Affected: yes. Observed: 1 variant allele.
Comment: CFAP45: BP4